The following is an entry in ClinVar:

ClinVar aggregate classification (germline): Uncertain significance. Review status: criteria provided, multiple submitters, no conflicts (2 of 4 stars). 2 submissions from 2 submitters: Uncertain significance (2). Last evaluated 2024-03-08.

Conditions:
Neuropathy, hereditary sensory and autonomic, type 1C. Also called: HSAN IC; HSN IC. Identifiers: Orphanet 36386, MedGen C3150896, MONDO:0013337, OMIM 613640.

Allele frequency attached by ClinVar (database versions not stated): gnomAD exomes 0.00001.
gnomAD v4.1: 7 of 1,614,096 alleles (0.00043%); highest among the groups gnomAD compares: South Asian, 0.0011%; no homozygotes.

Submissions (2):

Blueprint Genetics
Classification: Uncertain significance. Last evaluated: 2024-03-08. Review status: criteria provided, single submitter. Criteria: ACMG Guidelines, 2015. Collection method: clinical testing. Allele origin: germline.

Labcorp Genetics (formerly Invitae), Labcorp
Classification: Uncertain significance for Neuropathy, hereditary sensory and autonomic, type 1C. Last evaluated: 2021-04-04. Review status: criteria provided, single submitter. Criteria: Invitae Variant Classification Sherloc (09022015). Collection method: clinical testing. Allele origin: germline.
Comment: In summary, the available evidence is currently insufficient to determine the role of this variant in disease. Therefore, it has been classified as a Variant of Uncertain Significance. Algorithms developed to predict the effect of missense changes on protein structure and function (SIFT, PolyPhen-2, Align-GVGD) all suggest that this variant is likely to be tolerated, but these predictions have not been confirmed by published functional studies and their clinical significance is uncertain. This variant has not been reported in the literature in individuals with SPTLC2-related conditions. This variant is not present in population databases (ExAC no frequency). This sequence change replaces threonine with methionine at codon 556 of the SPTLC2 protein (p.Thr556Met). The threonine residue is moderately conserved and there is a moderate physicochemical difference between threonine and methionine.

NM_004863.4(SPTLC2):c.1667C>T (p.Thr556Met)

Gene: SPTLC2 (serine palmitoyltransferase long chain base subunit 2; minus strand). Cytogenetic location: 14q24.3.
Variant type: single nucleotide variant.
Coding change: c.1667C>T on transcript NM_004863.4 (MANE Select); coding-DNA position 1667, C replaced by T.
Protein change: p.Thr556Met; replaces threonine 556 with methionine.
Molecular consequence: missense variant.
Genome position (GRCh38, 1-based): chr14:77,512,306, G>A on the plus strand (C>T on the coding strand, the complement: SPTLC2 is on the minus strand). VCF-style: chr14-77512306-G-A. GRCh37 (hg19) VCF-style: chr14-77978649-G-A.
Other names: short protein forms T556M.
Identifiers: ClinVar variation 1419292 (VCV001419292.9), dbSNP rs1207958200, ClinGen allele CA390698814.